The following is an entry in ClinVar:

ClinVar aggregate classification (germline): Uncertain significance (1 of 4 stars; one submission).

Conditions:
Hereditary cancer-predisposing syndrome. Also called: Hereditary Cancer Syndrome; Hereditary neoplastic syndrome; Neoplastic Syndromes, Hereditary; Tumor predisposition. Identifiers: Orphanet 140162, MedGen C0027672, MeSH D009386, MONDO:0015356.

Allele frequency attached by ClinVar (database versions not stated): gnomAD exomes below 0.00001.

Submission:

Sema4
Classification: Uncertain significance for Hereditary cancer-predisposing syndrome. Last evaluated: 2022-01-21. Review status: criteria provided, single submitter. Criteria: Sema4 Curation Guidelines. Collection method: curation. Allele origin: germline.
Comment: The SMARCB1 c.804C>A (p.I268=) variant has not been reported in the literature to our knowledge. It was observed in 1/251476 chromosomes among all subpopulations in the large and broad cohorts of the Genome Aggregation Database (PMID: 32461654). This variant has not been reported in ClinVar. The nucleotide is highly conserved and in silico tools that predict the effect of sequence changes on splicing suggest that this variant may not impact splicing, though these predictions have not been confirmed by functional studies. The evidence is insufficient to meet ACMG/AMP criteria for classifying the variant as benign or pathogenic. Thus, the clinical significance of this variant is currently uncertain.

NM_003073.5(SMARCB1):c.804C>A (p.Ile268=)

Gene: SMARCB1 (SWI/SNF related BAF chromatin remodeling complex subunit B1; plus strand). Cytogenetic location: 22q11.23.
Variant type: single nucleotide variant.
Coding change: c.804C>A on transcript NM_003073.5 (MANE Select); coding-DNA position 804, C replaced by A.
Protein change: p.Ile268=; no amino-acid change (isoleucine 268 retained).
Molecular consequence: synonymous variant.
Genome position (GRCh38, 1-based): chr22:23,825,233, C>A. VCF-style: chr22-23825233-C-A. GRCh37 (hg19) VCF-style: chr22-24167420-C-A.
Other names: c.777C>A, p.Ile259= (NM_001007468.3); c.831C>A, p.Ile277= (NM_001317946.2); c.858C>A, p.Ile286= (NM_001362877.2).
Identifiers: ClinVar variation 1692747 (VCV001692747.1), dbSNP rs1448111718, ClinGen allele CA513738867.